The following is an entry in ClinVar:

NC_000005.10:g.112707466T>C

Gene: APC (APC regulator of Wnt signaling pathway; plus strand). Cytogenetic location: 5q22.2.
Variant type: single nucleotide variant.
Genome position: GRCh38 VCF-style: chr5-112707466-T-C. GRCh37 (hg19) VCF-style: chr5-112043163-T-C.
Identifiers: ClinVar variation 469869 (VCV000469869.11), dbSNP rs931845291, ClinGen allele CA124924708.

ClinVar aggregate classification (germline): Uncertain significance (1 of 4 stars; one submission).

Conditions:
Familial adenomatous polyposis 1 (FAP1). Also called: FAMILIAL ADENOMATOUS POLYPOSIS 1, ATTENUATED; POLYPOSIS, ADENOMATOUS INTESTINAL. Identifiers: MedGen C2713442, MONDO:0021056, OMIM 175100. Disease mechanism: loss of function.

Allele frequency attached by ClinVar (database versions not stated): gnomAD 0.00001; gnomAD exomes 0.00001; TOPMed 0.00001.

Submission:

Labcorp Genetics (formerly Invitae), Labcorp
Classification: Uncertain significance for Familial adenomatous polyposis 1. Last evaluated: 2026-01-06. Review status: criteria provided, single submitter. Criteria: Invitae Variant Classification Sherloc (09022015). Collection method: clinical testing. Allele origin: germline.
Comment: This variant occurs in a non-coding region of the APC gene. It does not change the encoded amino acid sequence of the APC protein. This variant is present in population databases (no rsID available, gnomAD no frequency). This variant has not been reported in the literature in individuals affected with APC-related conditions. ClinVar contains an entry for this variant (Variation ID: 469869). Experimental studies and prediction algorithms are not available or were not evaluated, and the functional significance of this variant is currently unknown. In summary, the available evidence is currently insufficient to determine the role of this variant in disease. Therefore, it has been classified as a Variant of Uncertain Significance.